The following is an entry in ClinVar:

NM_003803.4(MYOM1):c.3304-2A>G

Gene: MYOM1 (myomesin 1; minus strand). Cytogenetic location: 18p11.31.
Variant type: single nucleotide variant.
Coding change: c.3304-2A>G on transcript NM_003803.4 (MANE Select); the canonical splice acceptor site of the intron before coding-DNA position 3304, A replaced by G.
Molecular consequence: splice acceptor variant.
Genome position (GRCh38, 1-based): chr18:3,112,414, T>C on the plus strand (A>G on the coding strand, the complement: MYOM1 is on the minus strand). VCF-style: chr18-3112414-T-C. GRCh37 (hg19) VCF-style: chr18-3112412-T-C.
Other names: c.3016-2A>G (NM_019856.2).
Identifiers: ClinVar variation 2743881 (VCV002743881.3), dbSNP rs1456536808, ClinGen allele CA401704987.
Genomic context (GRCh38, chr18:3,112,414, plus strand): 5'-GCCTGGTTTATGGCTCGAACACGGAACACGTAGCTGACGCCCTCCTTGAGGCCTCGAACC[T>C]GGTAGAAGCAGGTGTAGAAGCAATGGGTGTTTGATGAAGCAGTGGCTGTTTTATGTCATT-3'

ClinVar aggregate classification (germline): Uncertain significance (1 of 4 stars; one submission).

Conditions:
Hypertrophic cardiomyopathy. Also called: HYPERTROPHIC MYOCARDIOPATHY. Identifiers: Orphanet 217569, MedGen C0007194, MeSH D002312, MONDO:0005045, HP:0001639.

gnomAD v4.1: 1 of 1,593,108 alleles (0.000063%); highest among the groups gnomAD compares: Non-Finnish European, 0.000086%; no homozygotes.

Submission:

Labcorp Genetics (formerly Invitae), Labcorp
Classification: Uncertain significance for Hypertrophic cardiomyopathy. Last evaluated: 2024-01-25. Review status: criteria provided, single submitter. Criteria: Invitae Variant Classification Sherloc (09022015). Collection method: clinical testing. Allele origin: germline.
Comment: This sequence change affects an acceptor splice site in intron 21 of the MYOM1 gene. It is expected to disrupt RNA splicing. Variants that disrupt the donor or acceptor splice site typically lead to a loss of protein function (PMID: 16199547), however the current clinical and genetic evidence is not sufficient to establish whether loss-of-function variants in MYOM1 cause disease. This variant is not present in population databases (gnomAD no frequency). This variant has not been reported in the literature in individuals affected with MYOM1-related conditions. Algorithms developed to predict the effect of sequence changes on RNA splicing suggest that this variant may disrupt the consensus splice site. In summary, the available evidence is currently insufficient to determine the role of this variant in disease. Therefore, it has been classified as a Variant of Uncertain Significance.

Literature cited by the submitters: PubMed 16199547.